The following is an entry in ClinVar:

ClinVar aggregate classification (germline): Uncertain significance (1 of 4 stars; one submission).

gnomAD v4.1: 1 of 1,614,036 alleles (0.000062%); highest among the groups gnomAD compares: African/African-American, 0.0013%; no homozygotes.

Submission:

Labcorp Genetics (formerly Invitae), Labcorp
Classification: Uncertain significance. Last evaluated: 2025-06-03. Review status: criteria provided, single submitter. Criteria: Invitae Variant Classification Sherloc (09022015). Collection method: clinical testing. Allele origin: germline.
Comment: This sequence change replaces valine, which is neutral and non-polar, with isoleucine, which is neutral and non-polar, at codon 204 of the DNAJC17 protein (p.Val204Ile). This variant is not present in population databases (gnomAD no frequency). This variant has not been reported in the literature in individuals affected with DNAJC17-related conditions. An algorithm developed to predict the effect of missense changes on protein structure and function outputs the following: PolyPhen-2: "Benign". The isoleucine amino acid residue is found in multiple mammalian species, which suggests that this missense change does not adversely affect protein function. In summary, the available evidence is currently insufficient to determine the role of this variant in disease. Therefore, it has been classified as a Variant of Uncertain Significance.

NM_018163.3(DNAJC17):c.610G>A (p.Val204Ile)

Gene: DNAJC17 (DnaJ heat shock protein family (Hsp40) member C17; minus strand). Cytogenetic location: 15q15.1.
Variant type: single nucleotide variant.
Coding change: c.610G>A on transcript NM_018163.3 (MANE Select); coding-DNA position 610, G replaced by A.
Protein change: p.Val204Ile; replaces valine 204 with isoleucine.
Molecular consequence: missense variant.
Genome position (GRCh38, 1-based): chr15:40,774,427, C>T on the plus strand (G>A on the coding strand, the complement: DNAJC17 is on the minus strand). VCF-style: chr15-40774427-C-T. GRCh37 (hg19) VCF-style: chr15-41066625-C-T.
Other names: short protein forms V204I.
Identifiers: ClinVar variation 4720626 (VCV004720626.1).